The following is an entry in ClinVar:

NM_178170.3(NEK8):c.1093G>A (p.Gly365Arg)

Gene: NEK8 (NIMA related kinase 8; plus strand). Cytogenetic location: 17q11.2.
Variant type: single nucleotide variant.
Coding change: c.1093G>A on transcript NM_178170.3 (MANE Select); coding-DNA position 1093, G replaced by A.
Protein change: p.Gly365Arg; replaces glycine 365 with arginine.
Molecular consequence: missense variant.
Genome position (GRCh38, 1-based): chr17:28,738,116, G>A. VCF-style: chr17-28738116-G-A. GRCh37 (hg19) VCF-style: chr17-27065134-G-A.
Other names: short protein forms G365R.
Identifiers: ClinVar variation 322480 (VCV000322480.13), dbSNP rs202102961, ClinGen allele CA8467308.

ClinVar aggregate classification (germline): Uncertain significance. Review status: criteria provided, multiple submitters, no conflicts (2 of 4 stars). 5 submissions from 5 submitters: Uncertain significance (5). Last evaluated 2026-04-02.

Conditions:
NEK8-related disorder. Also called: NEK8-related condition.
Inborn genetic diseases. Identifiers: MedGen C0950123, MeSH D030342.
Nephronophthisis 9 (NPHP9). Identifiers: Orphanet 655, MedGen C3151188, MONDO:0013444, OMIM 613824.

Allele frequency attached by ClinVar (database versions not stated): gnomAD 0.00024 and 0.00023; 1000 Genomes Project 30x 0.00016; gnomAD exomes 0.00031 and 0.00017; ExAC 0.00018; 1000 Genomes Project 0.00020; TOPMed 0.00029.
gnomAD v4.1: 493 of 1,613,836 alleles (0.031%); highest among the groups gnomAD compares: Non-Finnish European, 0.037%; no homozygotes.

Submissions (5):

GeneDx
Classification: Uncertain significance. Last evaluated: 2026-04-02. Review status: criteria provided, single submitter. Criteria: GeneDx Variant Classification Process June 2021. Collection method: clinical testing. Allele origin: germline.
Comment: In silico analysis suggests that this missense variant does not alter protein structure/function; Has not been previously published as pathogenic or benign to our knowledge

PreventionGenetics, part of Exact Sciences
Classification: Uncertain significance for NEK8-related condition. Last evaluated: 2026-02-20. Review status: criteria provided, single submitter. Criteria: ACMG Guidelines, 2015. Collection method: clinical testing. Allele origin: germline.
Comment: The NEK8 c.1093G>A variant is predicted to result in the amino acid substitution p.Gly365Arg. To our knowledge, this variant has not been reported in the literature. Of note, the p.Gly365 residue is highly conserved but located out of the kinase domain (Figure 2, Claus et al. 2023. PubMed ID: 37598857). This variant is reported in 0.035% of alleles in individuals of East Asian descent in gnomAD. At this time, the clinical significance of this variant is uncertain due to the absence of conclusive functional and genetic evidence.

Labcorp Genetics (formerly Invitae), Labcorp
Classification: Uncertain significance for Nephronophthisis 9. Last evaluated: 2025-01-13. Review status: criteria provided, single submitter. Criteria: Invitae Variant Classification Sherloc (09022015). Collection method: clinical testing. Allele origin: germline.
Comment: This sequence change replaces glycine, which is neutral and non-polar, with arginine, which is basic and polar, at codon 365 of the NEK8 protein (p.Gly365Arg). This variant is present in population databases (rs202102961, gnomAD 0.03%). This variant has not been reported in the literature in individuals affected with NEK8-related conditions. ClinVar contains an entry for this variant (Variation ID: 322480). An algorithm developed to predict the effect of missense changes on protein structure and function (PolyPhen-2) suggests that this variant is likely to be tolerated. In summary, the available evidence is currently insufficient to determine the role of this variant in disease. Therefore, it has been classified as a Variant of Uncertain Significance.

Ambry Genetics
Classification: Uncertain significance for Inborn genetic diseases. Last evaluated: 2024-10-02. Review status: criteria provided, single submitter. Criteria: Ambry Variant Classification Scheme 2023. Collection method: clinical testing. Allele origin: germline.

Illumina Laboratory Services, Illumina
Classification: Uncertain significance for Nephronophthisis 9. Last evaluated: 2018-01-13. Review status: criteria provided, single submitter. Criteria: ICSL Variant Classification Criteria 13 December 2019. Collection method: clinical testing. Allele origin: germline.